The following is an entry in ClinVar:

ClinVar aggregate classification (germline): Uncertain significance (1 of 4 stars; one submission).

Submission:

GeneDx
Classification: Uncertain significance. Last evaluated: 2026-02-26. Review status: criteria provided, single submitter. Criteria: GeneDx Variant Classification Process June 2021. Collection method: clinical testing. Allele origin: germline.
Comment: Not observed at significant frequency in large population cohorts (gnomAD); In silico analysis suggests that this missense variant does not alter protein structure/function; Has not been previously published as pathogenic or benign to our knowledge

NM_004766.3(COPB2):c.1194C>G (p.His398Gln)

Gene: COPB2 (coat protein complex I subunit beta 2; minus strand). Cytogenetic location: 3q23.
Variant type: single nucleotide variant.
Coding change: c.1194C>G on transcript NM_004766.3 (MANE Select); coding-DNA position 1194, C replaced by G.
Protein change: p.His398Gln; replaces histidine 398 with glutamine.
Molecular consequence: missense variant. On other transcripts: non-coding transcript variant (1).
Genome position (GRCh38, 1-based): chr3:139,371,734, G>C on the plus strand (C>G on the coding strand, the complement: COPB2 is on the minus strand). VCF-style: chr3-139371734-G-C. GRCh37 (hg19) VCF-style: chr3-139090576-G-C.
Other names: c.1107C>G, p.His369Gln (NM_001410834.1); short protein forms H369Q, H398Q.
Identifiers: ClinVar variation 5009957 (VCV005009957.1).